The following is an entry in ClinVar:

NM_001374736.1(DST):c.2572G>T (p.Ala858Ser)

Gene: DST (dystonin; minus strand). Cytogenetic location: 6p12.1.
Variant type: single nucleotide variant.
Coding change: c.2572G>T on transcript NM_001374736.1 (MANE Select); coding-DNA position 2572, G replaced by T.
Protein change: p.Ala858Ser; replaces alanine 858 with serine.
Molecular consequence: missense variant.
Genome position (GRCh38, 1-based): chr6:56,639,976, C>A on the plus strand (G>T on the coding strand, the complement: DST is on the minus strand). VCF-style: chr6-56639976-C-A. GRCh37 (hg19) VCF-style: chr6-56504774-C-A.
Other names: c.2473G>T, p.Ala825Ser (NM_001144769.5); c.2059G>T, p.Ala687Ser (NM_001144770.2); c.2572G>T, p.Ala858Ser (NM_001374722.1); c.1939G>T, p.Ala647Ser (NM_001374729.1, NM_001374730.1, NM_001386100.1 and 1 more transcripts); c.2599G>T, p.Ala867Ser (NM_001374734.1); c.961G>T, p.Ala321Ser (NM_001723.7, NM_015548.5); short protein forms A321S, A647S, A687S, A825S, A858S, A867S.
Identifiers: ClinVar variation 3382018 (VCV003382018.2).
Genomic context (GRCh38, chr6:56,639,976, plus strand): 5'-TAAATTCACATACCTCACTGATTTTAGCTTCTTTGAGACTAGATTCAAATTCTTCAATAG[C>A]TCTATGAACATTTTTATGATTTTCTAAATGGCTTTCAACACTTGGCAAATCTGAGCCCCA-3'
Protein context (NP_001361665.1, residues 848-868): HLENHKNVHR[Ala858Ser]IEEFESSLKE

ClinVar aggregate classification (germline): Uncertain significance (1 of 4 stars; one submission).

Conditions:
Epidermolysis bullosa simplex 3, localized or generalized intermediate, with BP230 deficiency (EBS3). Also called: Epidermolysis bullosa simplex due to BP230 deficiency; Epidermolysis bullosa simplex, autosomal recessive 2. Identifiers: Orphanet 412181, MedGen C3809470, MONDO:0014180, OMIM 615425.
Hereditary sensory and autonomic neuropathy type 6. Also called: HSAN VI; Neuropathy, hereditary sensory and autonomic, type VI. Identifiers: Orphanet 314381, MedGen C3539003, MONDO:0013839, OMIM 614653.

gnomAD v4.1: 6 of 1,613,604 alleles (0.00037%); highest among the groups gnomAD compares: East Asian, 0.0089%; no homozygotes.

Submission:

Juno Genomics, Hangzhou Juno Genomics, Inc
Classification: Uncertain significance for Hereditary sensory and autonomic neuropathy type 6; Epidermolysis bullosa simplex 3, localized or generalized intermediate, with BP230 deficiency. Review status: criteria provided, single submitter. Criteria: ACMG Guidelines, 2015. Collection method: clinical testing. Allele origin: germline. Affected: yes.
Comment: Absent from controls (or at extremely low frequency if recessive) in Genome Aggregation Database, Exome Sequencing Project, 1000 Genomes Project, or Exome Aggregation Consortium.;Patient's phenotype or family history is highly specific for a disease with a single genetic etiology.